The following is an entry in ClinVar:

ClinVar aggregate classification (germline): Conflicting classifications of pathogenicity. Review status: criteria provided, conflicting classifications (1 of 4 stars). 4 submissions from 4 submitters: Uncertain significance (1); Likely benign (3). Last evaluated 2026-06-01.

Conditions:
Familial thoracic aortic aneurysm and aortic dissection (TAAD). Also called: Thoracic aortic aneurysms and dissections. Identifiers: Orphanet 91387, MedGen C4707243, MONDO:0019625.
Adams-Oliver syndrome 5 (AOS5). Identifiers: Orphanet 974, MedGen C4014970, MONDO:0014459, OMIM 616028.

Allele frequency attached by ClinVar (database versions not stated): ExAC 0.00001; gnomAD 0.00001; gnomAD exomes 0.00001; TOPMed 0.00002.
gnomAD v4.1: 37 of 1,606,008 alleles (0.0023%); highest among the groups gnomAD compares: Non-Finnish European, 0.003%; no homozygotes.

Submissions (4):

CeGaT Center for Human Genetics Tuebingen
Classification: Likely benign. Last evaluated: 2026-06-01. Review status: criteria provided, single submitter. Criteria: CeGaT Center For Human Genetics Tuebingen Variant Classification Criteria Version 2. Collection method: clinical testing. Allele origin: germline. Affected: yes. Observed: 2 variant alleles.
Comment: NOTCH1: BP4

Women's Health and Genetics/Laboratory Corporation of America, LabCorp
Classification: Likely benign. Last evaluated: 2026-04-27. Review status: criteria provided, single submitter. Criteria: LabCorp Variant Classification Summary - May 2015. Collection method: clinical testing. Allele origin: germline.
Comment: Variant summary: NOTCH1 c.6413C>T (p.Pro2138Leu) results in a non-conservative amino acid change in the encoded protein sequence. Algorithms developed to predict the effect of missense changes on protein structure and function are either unavailable or do not agree on the potential impact of this missense change. The variant allele was found at a frequency of 2.3e-05 in 1606008 control chromosomes, predominantly at a frequency of 3e-05 within the Non-Finnish European subpopulation in the gnomAD database. The observed variant frequency within Non-Finnish European control individuals in the gnomAD database exceeds the estimated maximal expected allele frequency for disease-causing variants in NOTCH1. c.6413C>T has been observed in an individual affected with bicuspid aortic valve (Gillis_2017). This report does not provide unequivocal conclusions about association of the variant with NOTCH1-related conditions. To our knowledge, no experimental evidence demonstrating an impact on protein function has been reported. The following publication has been ascertained in the context of this evaluation (PMID: 28659821). ClinVar contains an entry for this variant (Variation ID: 581372). Based on the evidence outlined above, the variant was classified as likely benign.

Labcorp Genetics (formerly Invitae), Labcorp
Classification: Likely benign for Adams-Oliver syndrome 5. Last evaluated: 2025-08-13. Review status: criteria provided, single submitter. Criteria: Invitae Variant Classification Sherloc (09022015). Collection method: clinical testing. Allele origin: germline.

Ambry Genetics
Classification: Uncertain significance for Familial thoracic aortic aneurysm and aortic dissection. Last evaluated: 2025-03-25. Review status: criteria provided, single submitter. Criteria: Ambry Variant Classification Scheme 2023. Collection method: clinical testing. Allele origin: germline.
Comment: The p.P2138L variant (also known as c.6413C>T), located in coding exon 34 of the NOTCH1 gene, results from a C to T substitution at nucleotide position 6413. The proline at codon 2138 is replaced by leucine, an amino acid with similar properties. This amino acid position is not well conserved in available vertebrate species. In addition, this alteration is predicted to be tolerated by in silico analysis. Based on the available evidence, the clinical significance of this variant remains unclear.

Literature cited by the submitters: PubMed 24943832 (cited by Women's Health and Genetics/Laboratory Corporation of America, LabCorp); PubMed 16614245 (cited by Women's Health and Genetics/Laboratory Corporation of America, LabCorp); PubMed 21670202 (cited by Women's Health and Genetics/Laboratory Corporation of America, LabCorp); PubMed 22210878 (cited by Women's Health and Genetics/Laboratory Corporation of America, LabCorp); PubMed 19635999 (cited by Women's Health and Genetics/Laboratory Corporation of America, LabCorp); PubMed 26837699 (cited by Women's Health and Genetics/Laboratory Corporation of America, LabCorp); PubMed 23086750 (cited by Women's Health and Genetics/Laboratory Corporation of America, LabCorp); PubMed 19245433 (cited by Women's Health and Genetics/Laboratory Corporation of America, LabCorp); PubMed 22077063 (cited by Women's Health and Genetics/Laboratory Corporation of America, LabCorp); PubMed 15472075 (cited by Women's Health and Genetics/Laboratory Corporation of America, LabCorp); PubMed 23734977 (cited by Women's Health and Genetics/Laboratory Corporation of America, LabCorp); PubMed 22858860 (cited by Women's Health and Genetics/Laboratory Corporation of America, LabCorp); PubMed 28659821 (cited by Women's Health and Genetics/Laboratory Corporation of America, LabCorp).

NM_017617.5(NOTCH1):c.6413C>T (p.Pro2138Leu)

Gene: NOTCH1 (notch receptor 1; minus strand). Cytogenetic location: 9q34.3.
Variant type: single nucleotide variant.
Coding change: c.6413C>T on transcript NM_017617.5 (MANE Select); coding-DNA position 6413, C replaced by T.
Protein change: p.Pro2138Leu; replaces proline 2138 with leucine.
Molecular consequence: missense variant.
Genome position (GRCh38, 1-based): chr9:136,497,326, G>A on the plus strand (C>T on the coding strand, the complement: NOTCH1 is on the minus strand). VCF-style: chr9-136497326-G-A. GRCh37 (hg19) VCF-style: chr9-139391778-G-A.
Other names: c.6413C>T, p.Pro2138Leu (LRG_1122t1); short protein forms P2138L.
Identifiers: ClinVar variation 581372 (VCV000581372.16), dbSNP rs756571156, ClinGen allele CA5339908.
Genomic context (GRCh38, chr9:136,497,326, plus strand): 5'-ACCTTCTTGCCCTGCACGCCGGGCTTGAGGCTGCCCAGGTAGCCGTTGGGCGAGCAGAGC[G>A]GGGGCGACAGGGTGGGCGTGCCCCCCAGCGGGGCTCCGTGCAGCTGCGGGCTGCGCACCA-3'
Protein context (NP_060087.3, residues 2128-2148): PLGGTPTLSP[Pro2138Leu]LCSPNGYLGS